The following is an entry in ClinVar:

ClinVar aggregate classification (germline): Pathogenic/Likely pathogenic. Review status: criteria provided, multiple submitters, no conflicts (2 of 4 stars). 2 submissions from 2 submitters: Pathogenic (1); Likely pathogenic (1). Last evaluated 2025-05-05.

Conditions:
Muscle eye brain disease (MEB). Also called: Santavuori congenital muscular dystrophy. Identifiers: Orphanet 588, Orphanet 899, MedGen C0457133, MONDO:0018939.
Autosomal recessive limb-girdle muscular dystrophy type 2O. Also called: Limb-Girdle Muscular Dystrophy Type 3C; MUSCULAR DYSTROPHY-DYSTROGLYCANOPATHY (LIMB-GIRDLE), TYPE C, 3; MUSCULAR DYSTROPHY-DYSTROGLYCANOPATHY, LIMB-GIRDLE, POMGNT1-RELATED. Identifiers: Orphanet 206564, MedGen C3150417, MONDO:0013161, OMIM 613157.
Muscular dystrophy-dystroglycanopathy (congenital with impaired intellectual development), type B, 3. Also called: MUSCULAR DYSTROPHY, CONGENITAL, POMGNT1-RELATED; Muscular dystrophy-dystroglycanopathy (congenital with intellectual disability), type B3. Identifiers: MedGen C3150412, MONDO:0013155, OMIM 613151.

Submissions (2):

Natera, Inc.
Classification: Likely pathogenic for Muscle-eye-brain disease. Last evaluated: 2025-05-05. Review status: criteria provided, single submitter. Criteria: Natera Variant Classification Schema (03/2026). Collection method: clinical testing. Allele origin: germline.
Comment: The c.727_728del variant in POMGNT1 is a frameshift variant predicted to shift the reading frame beginning at codon 243 and leads to a stop codon 30 codons downstream. This variant is expected to result in nonsense mediated decay, truncation, or a dysfunctional protein product. This variant is rare in the general population with a frequency below the threshold expected for the associated phenotype(s). Given the available evidence, this variant is classified as Likely Pathogenic.

Labcorp Genetics (formerly Invitae), Labcorp
Classification: Pathogenic for Autosomal recessive limb-girdle muscular dystrophy type 2O; Muscular dystrophy-dystroglycanopathy (congenital with impaired intellectual development), type B, 3. Last evaluated: 2023-10-26. Review status: criteria provided, single submitter. Criteria: Invitae Variant Classification Sherloc (09022015). Collection method: clinical testing. Allele origin: germline.
Comment: This sequence change creates a premature translational stop signal (p.Asp243Cysfs*30) in the POMGNT1 gene. It is expected to result in an absent or disrupted protein product. Loss-of-function variants in POMGNT1 are known to be pathogenic (PMID: 19299310, 20816175, 21447391, 26908613, 27391550). This variant is not present in population databases (gnomAD no frequency). This variant has not been reported in the literature in individuals affected with POMGNT1-related conditions. For these reasons, this variant has been classified as Pathogenic.

Literature cited by the submitters: PubMed 19299310 (cited by Labcorp Genetics (formerly Invitae), Labcorp); PubMed 20816175 (cited by Labcorp Genetics (formerly Invitae), Labcorp); PubMed 21447391 (cited by Labcorp Genetics (formerly Invitae), Labcorp); PubMed 26908613 (cited by Labcorp Genetics (formerly Invitae), Labcorp); PubMed 27391550 (cited by Labcorp Genetics (formerly Invitae), Labcorp).

NM_017739.4(POMGNT1):c.727_728del (p.Asp243fs)

Genes: POMGNT1 (protein O-linked mannose N-acetylglucosaminyltransferase 1 (beta 1,2-); minus strand), TSPAN1 (tetraspanin 1; plus strand). Cytogenetic location: 1p34.1.
Variant type: Deletion.
Coding change: c.727_728del on transcript NM_017739.4 (MANE Select); coding-DNA positions 727 to 728, 2 bases deleted (GA; older notation c.727_728delGA).
Protein change: p.Asp243fs; shifts the reading frame from aspartic acid 243.
Molecular consequence: frameshift variant.
Genome position (GRCh38, 1-based): chr1:46,194,576-46,194,577, TC deleted on the plus strand (GA on the coding strand, the reverse complement: POMGNT1 is on the minus strand); deleting any 2 consecutive bases within chr1:46,194,576-46,194,578 gives the same sequence; the c. name uses the placement nearest the transcript's 3' end. VCF-style (leftmost placement, unchanged base first): chr1-46194575-ATC-A. GRCh37 (hg19) VCF-style: chr1-46660247-ATC-A.
Other names: c.727_728del, p.Asp243fs (NM_001243766.2, NM_001410783.1); c.660_661delAG, p.Asp221Cysfs (NM_001290129.3); c.298_299del, p.Asp100fs (NM_001290130.2); short protein forms D100fs, D243fs, D221fs.
Identifiers: ClinVar variation 2948415 (VCV002948415.4), dbSNP rs2525428168, ClinGen allele CA2740090718.
Genomic context (GRCh38, chr1:46,194,575, plus strand): 5'-GCCCAGGCCCTGCCCCATCCATGCTCCACTAACTCCACCTTCTGCTGAGCTCAATGGCAC[ATC>A]TGTCTTCAGCAGGACTGGGTCCCCCCAGGAAGAGAGGGCAGGTGATTTAGAATGTTTCTC-3'